The following is an entry in ClinVar:

ClinVar aggregate classification (germline): Uncertain significance. Review status: criteria provided, multiple submitters, no conflicts (2 of 4 stars). 2 submissions from 2 submitters: Uncertain significance (2). Last evaluated 2021-11-04.

Conditions:
Familial hypocalciuric hypercalcemia (FHH). Also called: Familial benign hypercalcemia. Identifiers: Orphanet 405, MedGen C1809471, MONDO:0018458.
Autosomal dominant hypocalcemia 1 (HYPOC1). Also called: HYPOCALCEMIA, FAMILIAL. Identifiers: MedGen C3715128, MONDO:0011013, OMIM 601198.

Submissions (2):

Blueprint Genetics
Classification: Uncertain significance. Last evaluated: 2021-11-04. Review status: criteria provided, single submitter. Criteria: ACMG Guidelines, 2015. Collection method: clinical testing. Allele origin: germline.

Labcorp Genetics (formerly Invitae), Labcorp
Classification: Uncertain significance for Familial hypocalciuric hypercalcemia; Autosomal dominant hypocalcemia 1. Last evaluated: 2020-11-10. Review status: criteria provided, single submitter. Criteria: Invitae Variant Classification Sherloc (09022015). Collection method: clinical testing. Allele origin: germline.
Comment: In summary, the available evidence is currently insufficient to determine the role of this variant in disease. Therefore, it has been classified as a Variant of Uncertain Significance. Algorithms developed to predict the effect of missense changes on protein structure and function (SIFT, PolyPhen-2, Align-GVGD) all suggest that this variant is likely to be disruptive, but these predictions have not been confirmed by published functional studies and their clinical significance is uncertain. This variant has not been reported in the literature in individuals with CASR-related conditions. This variant is not present in population databases (ExAC no frequency). This sequence change replaces glycine with glutamic acid at codon 549 of the CASR protein (p.Gly549Glu). The glycine residue is highly conserved and there is a moderate physicochemical difference between glycine and glutamic acid.

NM_000388.4(CASR):c.1646G>A (p.Gly549Glu)

Gene: CASR (calcium sensing receptor; plus strand). Cytogenetic location: 3q21.1.
Variant type: single nucleotide variant.
Coding change: c.1646G>A on transcript NM_000388.4 (MANE Select); coding-DNA position 1646, G replaced by A.
Protein change: p.Gly549Glu; replaces glycine 549 with glutamic acid.
Molecular consequence: missense variant.
Genome position (GRCh38, 1-based): chr3:122,282,150, G>A. VCF-style: chr3-122282150-G-A. GRCh37 (hg19) VCF-style: chr3-122000997-G-A.
Other names: c.1676G>A, p.Gly559Glu (NM_001178065.2); short protein forms G559E, G549E.
Identifiers: ClinVar variation 1345109 (VCV001345109.9), dbSNP rs2107648266, ClinGen allele CA354156187.